The following is an entry in ClinVar:

ClinVar aggregate classification (germline): Likely pathogenic (1 of 4 stars; one submission).

Conditions:
Intellectual developmental disorder, autosomal recessive 81 (MRT81). Identifiers: MedGen C5882758, MONDO:0958204, OMIM 620700.

gnomAD v4.1: 1 of 1,609,992 alleles (0.000062%); no homozygotes.

Submission:

Women's Health and Genetics/Laboratory Corporation of America, LabCorp
Classification: Likely pathogenic for Intellectual developmental disorder, autosomal recessive 81. Last evaluated: 2024-11-01. Review status: criteria provided, single submitter. Criteria: LabCorp Variant Classification Summary - May 2015. Collection method: clinical testing. Allele origin: germline.
Comment: Variant summary: ASCC3 c.802-2A>C is located in a canonical splice-site and is predicted to affect mRNA splicing resulting in a significantly altered protein due to either exon skipping, shortening, or inclusion of intronic material. Variants that disrupt the consensus splice site are a relatively common cause of aberrant splicing and loss of ASCC3 function. Several computational tools predict a significant impact on normal splicing: Four predict the variant abolishes a 3' acceptor site. However, these predictions have yet to be confirmed by functional studies. The frequency data for this variant in gnomAD is considered unreliable, as metrics indicate poor data quality at this position. To our knowledge, no occurrence of c.802-2A>C in individuals affected with Intellectual Developmental Disorder, Autosomal Recessive 81 and no experimental evidence demonstrating its impact on protein function have been reported. No submitters have cited clinical-significance assessments for this variant to ClinVar. Based on the evidence outlined above, the variant was classified as likely pathogenic.

NM_006828.4(ASCC3):c.802-2A>C

Gene: ASCC3 (activating signal cointegrator 1 complex subunit 3; minus strand). Cytogenetic location: 6q16.3.
Variant type: single nucleotide variant.
Coding change: c.802-2A>C on transcript NM_006828.4 (MANE Select); the canonical splice acceptor site of the intron before coding-DNA position 802, A replaced by C.
Molecular consequence: splice acceptor variant.
Genome position (GRCh38, 1-based): chr6:100,805,882, T>G on the plus strand (A>C on the coding strand, the complement: ASCC3 is on the minus strand). VCF-style: chr6-100805882-T-G. GRCh37 (hg19) VCF-style: chr6-101253758-T-G.
Other names: c.802-2A>C (NM_001284271.2).
Identifiers: ClinVar variation 3629890 (VCV003629890.1).